The following is an entry in ClinVar:

NM_006431.3(CCT2):c.809C>T (p.Ala270Val)

Gene: CCT2 (chaperonin containing TCP1 subunit 2; plus strand). Cytogenetic location: 12q15.
Variant type: single nucleotide variant.
Coding change: c.809C>T on transcript NM_006431.3 (MANE Select); coding-DNA position 809, C replaced by T.
Protein change: p.Ala270Val; replaces alanine 270 with valine.
Molecular consequence: missense variant.
Genome position (GRCh38, 1-based): chr12:69,593,034, C>T. VCF-style: chr12-69593034-C-T. GRCh37 (hg19) VCF-style: chr12-69986814-C-T.
Other names: c.668C>T, p.Ala223Val (NM_001198842.2); short protein forms A270V, A223V.
Identifiers: ClinVar variation 1524889 (VCV001524889.6), dbSNP rs369840085, ClinGen allele CA6680695.
Genomic context (GRCh38, chr12:69,593,034, plus strand): 5'-AGATATTTGGTTCCCGGGTAAGAGTTGACTCTACAGCAAAGGTTGCAGAAATAGAACATG[C>T]GGAAAAGGAAAAAATGAAGGAGAAAGTTGAACGTATTCTTAAGCATGGAATAAATTGCTT-3'
Protein context (NP_006422.1, residues 260-280): STAKVAEIEH[Ala270Val]EKEKMKEKVE

ClinVar aggregate classification (germline): Uncertain significance (1 of 4 stars; one submission).

Allele frequency attached by ClinVar (database versions not stated): gnomAD 0.00001 and 0.00003; TOPMed 0.00005; 1000 Genomes Project 30x 0.00031; 1000 Genomes Project 0.00040.
gnomAD v4.1: 51 of 1,612,252 alleles (0.0032%); highest among the groups gnomAD compares: Middle Eastern, 0.017%; no homozygotes.

Submission:

Labcorp Genetics (formerly Invitae), Labcorp
Classification: Uncertain significance. Last evaluated: 2023-12-09. Review status: criteria provided, single submitter. Criteria: Invitae Variant Classification Sherloc (09022015). Collection method: clinical testing. Allele origin: germline.
Comment: This sequence change replaces alanine, which is neutral and non-polar, with valine, which is neutral and non-polar, at codon 270 of the CCT2 protein (p.Ala270Val). This variant is present in population databases (rs369840085, gnomAD 0.03%). This variant has not been reported in the literature in individuals affected with CCT2-related conditions. ClinVar contains an entry for this variant (Variation ID: 1524889). An algorithm developed to predict the effect of missense changes on protein structure and function (PolyPhen-2) suggests that this variant is likely to be disruptive. In summary, the available evidence is currently insufficient to determine the role of this variant in disease. Therefore, it has been classified as a Variant of Uncertain Significance.